The following is an entry in ClinVar:

NM_000183.3(HADHB):c.811+5A>C

Gene: HADHB (hydroxyacyl-CoA dehydrogenase trifunctional multienzyme complex subunit beta; plus strand). Cytogenetic location: 2p23.3.
Variant type: single nucleotide variant.
Coding change: c.811+5A>C on transcript NM_000183.3 (MANE Select); 5 bases into the intron after coding-DNA position 811, A replaced by C.
Molecular consequence: intron variant.
Genome position (GRCh38, 1-based): chr2:26,279,320, A>C. VCF-style: chr2-26279320-A-C. GRCh37 (hg19) VCF-style: chr2-26502188-A-C.
Other names: c.745+5A>C (NM_001281513.2); c.766+5A>C (NM_001281512.2).
Identifiers: ClinVar variation 513726 (VCV000513726.1), dbSNP rs1553322101, ClinGen allele CA658795689.

ClinVar aggregate classification (germline): Likely benign (1 of 4 stars; one submission).

Submission:

GeneDx
Classification: Likely benign. Last evaluated: 2017-12-28. Review status: criteria provided, single submitter. Criteria: GeneDx Variant Classification (06012015). Collection method: clinical testing. Allele origin: germline. Affected: yes.
Comment: This variant is considered likely benign or benign based on one or more of the following criteria: it is a conservative change, it occurs at a poorly conserved position in the protein, it is predicted to be benign by multiple in silico algorithms, and/or has population frequency not consistent with disease.